The following is an entry in ClinVar:

ClinVar aggregate classification (germline): Conflicting classifications of pathogenicity. Review status: criteria provided, conflicting classifications (1 of 4 stars). 4 submissions from 4 submitters: Uncertain significance (1); Benign (1); Likely benign (1). 1 of the submissions does not count toward it. Last evaluated 2025-09-17.

Conditions:
Niemann-Pick disease, type C1. Also called: NIEMANN-PICK DISEASE, VARIANT TYPE C1; NEUROVISCERAL STORAGE DISEASE WITH VERTICAL SUPRANUCLEAR OPHTHALMOPLEGIA; NIEMANN-PICK DISEASE WITH CHOLESTEROL ESTERIFICATION BLOCK; NIEMANN-PICK DISEASE WITHOUT SPHINGOMYELINASE DEFICIENCY; NIEMANN-PICK DISEASE, CHRONIC NEURONOPATHIC FORM. Identifiers: Orphanet 646, MedGen C3179455, MONDO:0009757, OMIM 257220.
NPC1-related disorder. Also called: NPC1-related condition.

Allele frequency attached by ClinVar (database versions not stated): TOPMed 0.00001.

Submissions (4):

Labcorp Genetics (formerly Invitae), Labcorp
Classification: Benign for Niemann-Pick disease, type C1. Last evaluated: 2025-09-17. Review status: criteria provided, single submitter. Criteria: Invitae Variant Classification Sherloc (09022015). Collection method: clinical testing. Allele origin: germline.

Blueprint Genetics
Classification: Likely benign. Last evaluated: 2024-11-25. Review status: criteria provided, single submitter. Criteria: ACMG Guidelines, 2015. Collection method: clinical testing. Allele origin: germline.

Eurofins Ntd Llc (ga)
Classification: Uncertain significance. Last evaluated: 2018-04-25. Review status: criteria provided, single submitter. Criteria: EGL ClinVar v180209 classification definitions. Collection method: clinical testing. Allele origin: germline. Observed: 4 variant alleles.

PreventionGenetics, part of Exact Sciences
Classification: Likely benign for NPC1-related condition. Last evaluated: 2021-03-10. Review status: no assertion criteria provided. Collection method: clinical testing. Allele origin: germline. Not counted in ClinVar's aggregate classification.
Comment: This variant is classified as likely benign based on ACMG/AMP sequence variant interpretation guidelines (Richards et al. 2015 PMID: 25741868, with internal and published modifications).

NM_000271.5(NPC1):c.1947+7_1947+8insCGG

Gene: NPC1 (NPC intracellular cholesterol transporter 1; minus strand). Cytogenetic location: 18q11.2.
Variant type: Insertion.
Coding change: c.1947+7_1947+8insCGG on transcript NM_000271.5 (MANE Select); bases 7 to 8 of the intron after coding-DNA position 1947, CGG inserted.
Molecular consequence: intron variant.
Genome position: GRCh38 VCF-style: chr18-23544952-C-CCCG. GRCh37 (hg19) VCF-style: chr18-21124916-C-CCCG.
Identifiers: ClinVar variation 594945 (VCV000594945.20), dbSNP rs1555634618, ClinGen allele CA8913332.
Genomic context (GRCh38, chr18:23,544,952, plus strand): 5'-AAAAATATGACGTTACACTGTGCACTGCTGTTAACCTCTAGAACATACACCACCCCCCCC[C>CCCG]GGCTTACCAGAAGCCTGCGACAGCTTTTCATGTGCCCCAAGGCTAGGGAAATATATAGAA-3'